The following is an entry in ClinVar:

NC_000022.11:g.(?_37738534)_(37741122_?)del

Gene: TRIOBP (TRIO and F-actin binding protein; plus strand). Cytogenetic location: 22q13.1.
Variant type: Deletion.
Identifiers: ClinVar variation 667346 (VCV000667346.5).

ClinVar aggregate classification (germline): Uncertain significance (1 of 4 stars; one submission).

Submission:

Laboratory for Molecular Medicine, Mass General Brigham Personalized Medicine
Classification: Uncertain significance. Last evaluated: 2019-02-06. Review status: criteria provided, single submitter. Criteria: LMM Criteria. Collection method: clinical testing. Allele origin: germline. Observed: 2 variant alleles.
Comment: The deletion of exons 10 and 11 in TRIOBP has not been previously reported in individuals with hearing loss, but has been identified in 2/2504 samples from the 1000 Genomes Consortium Phase 3 (Database of Genomic Variants esv3647718). The TRIOBP gene is strongly associated with autosomal recessive hearing loss with loss of function as a likely mechanism. However, several alternatively spliced transcripts of the TRIOBP gene exist. The vast majority of truncating variants in TRIOBP reported to date have been identified in exon 7 (nucleotides c.625-c.3947 in NM_001039141.2), which is present in the TRIOBP-5 and TRIOBP-4 transcripts (Riazuddin 2006, Shahin 2006, Kitajiri 2010). Exons 10 and 11 are present in the TRIOBP-5 transcript, but are not present in the TRIOBP-4 transcript. In addition, exons 10 and 11 are in frame, and as such it is not know how a deletion of these exons would impact the protein. In summary, due to the unknown effect of this deletion, the clinical significance of this variant is uncertain. ACMG/AMP Criteria applied: PM4, PM2_Supporting.

Literature cited by the submitters: PubMed 20510926; PubMed 16385458; PubMed 16385457.